The following is an entry in ClinVar:

NM_002473.6(MYH9):c.1209G>A (p.Lys403=)

Gene: MYH9 (myosin heavy chain 9; minus strand). Cytogenetic location: 22q12.3.
Variant type: single nucleotide variant.
Coding change: c.1209G>A on transcript NM_002473.6 (MANE Select); coding-DNA position 1209, G replaced by A.
Protein change: p.Lys403=; no amino-acid change (lysine 403 retained).
Molecular consequence: synonymous variant.
Genome position (GRCh38, 1-based): chr22:36,318,225, C>T on the plus strand (G>A on the coding strand, the complement: MYH9 is on the minus strand). VCF-style: chr22-36318225-C-T. GRCh37 (hg19) VCF-style: chr22-36714270-C-T.
Identifiers: ClinVar variation 930045 (VCV000930045.4), dbSNP rs2017190244, ClinGen allele CA514369511.

ClinVar aggregate classification (germline): Likely benign (1 of 4 stars; one submission).

Allele frequency attached by ClinVar (database versions not stated): gnomAD exomes below 0.00001.
gnomAD v4.1: 1 of 1,613,786 alleles (0.000062%); highest among the groups gnomAD compares: Admixed American, 0.0017%; no homozygotes.

Submission:

Laboratory for Molecular Medicine, Mass General Brigham Personalized Medicine
Classification: Likely benign. Last evaluated: 2019-05-22. Review status: criteria provided, single submitter. Criteria: LMM Criteria. Collection method: clinical testing. Allele origin: germline. Observed: 1 variant allele.
Comment: The p.Lys403Lys variant in MYH9 is classified as likely benign because it does not alter an amino acid residue, it is not located within the splice consensus sequence, and splice prediction algorithms do not predict a newly created splice site. ACMG/AMP Criteria applied: BP4, BP7.